The following is an entry in ClinVar:

NM_000350.3(ABCA4):c.4539+2001G>A

Gene: ABCA4 (ATP binding cassette subfamily A member 4; minus strand). Cytogenetic location: 1p22.1.
Variant type: single nucleotide variant.
Coding change: c.4539+2001G>A on transcript NM_000350.3 (MANE Select); 2001 bases into the intron after coding-DNA position 4539, G replaced by A.
Molecular consequence: intron variant.
Genome position (GRCh38, 1-based): chr1:94,027,444, C>T on the plus strand (G>A on the coding strand, the complement: ABCA4 is on the minus strand). VCF-style: chr1-94027444-C-T. GRCh37 (hg19) VCF-style: chr1-94493000-C-T.
Identifiers: ClinVar variation 560421 (VCV000560421.16), dbSNP rs1457937638, ClinGen allele CA524383873.

ClinVar aggregate classification (germline): Pathogenic. Review status: criteria provided, multiple submitters, no conflicts (2 of 4 stars). 8 submissions from 8 submitters: Pathogenic (5). 3 of the submissions do not count toward it. Last evaluated 2026-03-18.

Conditions:
ABCA4-related disorder. Also called: ABCA4-related disorders; ABCA4-related condition. Identifiers: MedGen CN239167.
Retinal dystrophy. Also called: Inherited retinal dystrophy. Identifiers: Orphanet 71862, MedGen C0854723, MeSH D058499, MONDO:0019118, HP:0000556.
Stargardt disease (FFM). Also called: Stargardt's disease; Fundus flavimaculatus. Identifiers: Orphanet 827, MedGen C0271093, MONDO:0019353.
Severe early-childhood-onset retinal dystrophy (STGD1). Also called: Stargardt macular dystrophy; Juvenile onset macular degeneration; Stargardt disease 1; STGD; MACULAR DYSTROPHY WITH FLECKS, TYPE 1. Identifiers: Orphanet 364055, Orphanet 827, MedGen C1855465, MeSH D000080362, MONDO:0009549, OMIM 248200.

Allele frequency attached by ClinVar (database versions not stated): gnomAD 0.00003; TOPMed 0.00002.
gnomAD v4.1: 3 of 152,140 alleles (0.002%); highest among the groups gnomAD compares: Non-Finnish European, 0.0044%; no homozygotes.

Submissions (8):

Women's Health and Genetics/Laboratory Corporation of America, LabCorp
Classification: Pathogenic for Stargardt disease. Last evaluated: 2026-03-18. Review status: criteria provided, single submitter. Criteria: LabCorp Variant Classification Summary - May 2015. Collection method: clinical testing. Allele origin: germline.
Comment: Variant summary: ABCA4 c.4539+2001G>A is located at a position not widely known to affect splicing. Consensus agreement among computation tools predict no significant impact on normal splicing. However, at least one publication reports experimental evidence that this variant affects mRNA splicing (Albert_2018). The variant allele was found at a frequency of 3.2e-05 in 31398 control chromosomes (gnomAD). c.4539+2001G>A has been observed in multiple individuals affected with Stargardt Disease (e.g. Braun_2013, Haer-Wigman_2017, Runhart_2019). These data indicate that the variant is very likely to be associated with disease. ClinVar contains an entry for this variant (Variation ID: 560421). Based on the evidence outlined above, the variant was classified as pathogenic.

Labcorp Genetics (formerly Invitae), Labcorp
Classification: Pathogenic. Last evaluated: 2025-04-16. Review status: criteria provided, single submitter. Criteria: Invitae Variant Classification Sherloc (09022015). Collection method: clinical testing. Allele origin: germline.
Comment: This sequence change falls in intron 30 of the ABCA4 gene. It does not directly change the encoded amino acid sequence of the ABCA4 protein. RNA analysis indicates that this variant induces altered splicing and may result in an absent or altered protein product. This variant is present in population databases (no rsID available, gnomAD 0.007%). This variant has been observed in individuals with Stargardt disease (PMID: 25346251, 29526278, 32307445). It is commonly reported in individuals of Belgian ancestry (PMID: 25346251). This variant is also known as M1 and V4. ClinVar contains an entry for this variant (Variation ID: 560421). Studies have shown that this variant results in inclusion of a 345 nucleotide pseudoexon between exons 30 and 31, and produces a non-functional protein and/or introduces a premature termination codon (PMID: 29526278). For these reasons, this variant has been classified as Pathogenic.

GeneDx
Classification: Pathogenic. Last evaluated: 2022-12-05. Review status: criteria provided, single submitter. Criteria: GeneDx Variant Classification Process June 2021. Collection method: clinical testing. Allele origin: germline. Affected: yes.
Comment: Published functional studies demonstrate a damaging effect with insertion of a pseudoexon containing a stop codon that is predicted to result in nonsense mediated decay of the transcript (Albert et al., 2018); This variant is associated with the following publications: (PMID: 30643219, 30670881, 23918662, 25346251, 28224992, 25363634, 29526278, 31618761, 33924840, 31397521, 34795310, 33214125, 34440414, 31197102, 32307445, 32278709)

Blueprint Genetics
Classification: Pathogenic for ABCA4-related disorders. Last evaluated: 2021-03-11. Review status: criteria provided, single submitter. Criteria: ACMG Guidelines, 2015. Collection method: clinical testing. Allele origin: germline. Affected: yes. Observed: 5 variant alleles.

Institute of Human Genetics, Univ. Regensburg, Univ. Regensburg
Classification: Pathogenic for Retinal dystrophy. Last evaluated: 2021-01-01. Review status: criteria provided, single submitter. Criteria: ACMG Guidelines, 2015. Collection method: clinical testing. Allele origin: germline. Affected: yes.

Joint Genome Diagnostic Labs from Nijmegen and Maastricht, Radboudumc and MUMC+
Classification: Likely pathogenic for Severe early-childhood-onset retinal dystrophy. Last evaluated: 2016-09-01. Review status: no assertion criteria provided. Collection method: clinical testing. Allele origin: unknown. Affected: yes. Observed: 3 variant alleles. Not counted in ClinVar's aggregate classification.

Clinical Genetics DNA and cytogenetics Diagnostics Lab, Erasmus MC, Erasmus Medical Center
Classification: Pathogenic. Review status: no assertion criteria provided. Collection method: clinical testing. Allele origin: germline. Affected: yes. Study: VKGL Data-share Consensus. Not counted in ClinVar's aggregate classification.

Clinical Genetics, Academic Medical Center
Classification: Likely pathogenic. Review status: no assertion criteria provided. Collection method: clinical testing. Allele origin: germline. Affected: yes. Study: VKGL Data-share Consensus. Not counted in ClinVar's aggregate classification.

Literature cited by the submitters: PubMed 28224992 (cited by Women's Health and Genetics/Laboratory Corporation of America, LabCorp and Institute of Human Genetics, Univ. Regensburg, Univ. Regensburg); PubMed 23918662 (cited by Women's Health and Genetics/Laboratory Corporation of America, LabCorp and Institute of Human Genetics, Univ. Regensburg, Univ. Regensburg); PubMed 31618761 (cited by Women's Health and Genetics/Laboratory Corporation of America, LabCorp and Institute of Human Genetics, Univ. Regensburg, Univ. Regensburg); PubMed 29526278 (cited by 3 submitters); PubMed 25346251 (cited by Labcorp Genetics (formerly Invitae), Labcorp); PubMed 32307445 (cited by Labcorp Genetics (formerly Invitae), Labcorp and Institute of Human Genetics, Univ. Regensburg, Univ. Regensburg).